The following is an entry in ClinVar:

NM_004990.4(MARS1):c.2649G>T (p.Leu883Phe)

Gene: MARS1 (methionyl-tRNA synthetase 1; plus strand). Cytogenetic location: 12q13.3.
Variant type: single nucleotide variant.
Coding change: c.2649G>T on transcript NM_004990.4 (MANE Select); coding-DNA position 2649, G replaced by T.
Protein change: p.Leu883Phe; replaces leucine 883 with phenylalanine.
Molecular consequence: missense variant.
Genome position (GRCh38, 1-based): chr12:57,516,527, G>T. VCF-style: chr12-57516527-G-T. GRCh37 (hg19) VCF-style: chr12-57910310-G-T.
Other names: short protein forms L883F.
Identifiers: ClinVar variation 1799575 (VCV001799575.3), dbSNP rs2540323745, ClinGen allele CA385469156.
Genomic context (GRCh38, chr12:57,516,527, plus strand): 5'-GGCAGACAAGAACGAGGTTGCTGCGGAGGTGGCGAAACTCTTGGATCTAAAGAAACAGTT[G>T]GCTGTAGCTGAGGGGAAACCCCCTGAAGCCCCTAAAGGCAAGAAGAAAAAGTAAAAGACC-3'
Protein context (NP_004981.2, residues 873-893): VAKLLDLKKQ[Leu883Phe]AVAEGKPPEA

ClinVar aggregate classification (germline): Uncertain significance. Review status: criteria provided, multiple submitters, no conflicts (2 of 4 stars). 2 submissions from 2 submitters: Uncertain significance (2). Last evaluated 2025-11-27.

Conditions:
Charcot-Marie-Tooth disease axonal type 2U. Also called: CHARCOT-MARIE-TOOTH NEUROPATHY, TYPE 2U; CHARCOT-MARIE-TOOTH DISEASE, AXONAL, AUTOSOMAL DOMINANT, TYPE 2U. Identifiers: Orphanet 397735, MedGen C4084821, MONDO:0014566, OMIM 616280.
Severe early-onset pulmonary alveolar proteinosis due to MARS deficiency. Also called: PULMONARY ALVEOLAR PROTEINOSIS, REUNION ISLAND; Interstitial lung and liver disease. Identifiers: Orphanet 440427, MedGen C4225400, MONDO:0014206, OMIM 615486.

Submissions (2):

Labcorp Genetics (formerly Invitae), Labcorp
Classification: Uncertain significance for Charcot-Marie-Tooth disease axonal type 2U; Severe early-onset pulmonary alveolar proteinosis due to MARS deficiency. Last evaluated: 2025-11-27. Review status: criteria provided, single submitter. Criteria: Invitae Variant Classification Sherloc (09022015). Collection method: clinical testing. Allele origin: germline.
Comment: This sequence change replaces leucine, which is neutral and non-polar, with phenylalanine, which is neutral and non-polar, at codon 883 of the MARS protein (p.Leu883Phe). This variant is not present in population databases (gnomAD no frequency). This variant has not been reported in the literature in individuals affected with MARS-related conditions. ClinVar contains an entry for this variant (Variation ID: 1799575). An algorithm developed to predict the effect of missense changes on protein structure and function (PolyPhen-2) suggests that this variant is likely to be disruptive. In summary, the available evidence is currently insufficient to determine the role of this variant in disease. Therefore, it has been classified as a Variant of Uncertain Significance.

Ambry Genetics
Classification: Uncertain significance. Last evaluated: 2019-12-06. Review status: criteria provided, single submitter. Criteria: Ambry Variant Classification Scheme 2023. Collection method: clinical testing. Allele origin: germline.
Comment: The p.L883F variant (also known as c.2649G>T), located in coding exon 21 of the MARS gene, results from a G to T substitution at nucleotide position 2649. The leucine at codon 883 is replaced by phenylalanine, an amino acid with highly similar properties. This amino acid position is highly conserved in available vertebrate species. In addition, this alteration is predicted to be tolerated by in silico analysis. Since supporting evidence is limited at this time, the clinical significance of this alteration remains unclear.